The following is an entry in ClinVar:

NM_003673.4(TCAP):c.397G>A (p.Val133Met)

Gene: TCAP (titin-cap; plus strand). Cytogenetic location: 17q12.
Variant type: single nucleotide variant.
Coding change: c.397G>A on transcript NM_003673.4 (MANE Select); coding-DNA position 397, G replaced by A.
Protein change: p.Val133Met; replaces valine 133 with methionine.
Molecular consequence: missense variant.
Genome position (GRCh38, 1-based): chr17:39,666,002, G>A. VCF-style: chr17-39666002-G-A. GRCh37 (hg19) VCF-style: chr17-37822255-G-A.
Other names: short protein forms V133M.
Identifiers: ClinVar variation 2925613 (VCV002925613.3), dbSNP rs2145074338, ClinGen allele CA399305539.

ClinVar aggregate classification (germline): Uncertain significance (1 of 4 stars; one submission).

Conditions:
Hypertrophic cardiomyopathy 25 (CMH25). Also called: CARDIOMYOPATHY, FAMILIAL HYPERTROPHIC, 25. Identifiers: MedGen C4225408, MONDO:0011843, OMIM 607487.
Primary familial hypertrophic cardiomyopathy (HCM). Identifiers: Orphanet 99739, MedGen C0949658, MeSH D024741, MONDO:0024573. Inheritance: Various modes of inheritance.

Submission:

Labcorp Genetics (formerly Invitae), Labcorp
Classification: Uncertain significance for Hypertrophic cardiomyopathy 25; Primary familial hypertrophic cardiomyopathy. Last evaluated: 2024-11-30. Review status: criteria provided, single submitter. Criteria: Invitae Variant Classification Sherloc (09022015). Collection method: clinical testing. Allele origin: germline.
Comment: This sequence change replaces valine, which is neutral and non-polar, with methionine, which is neutral and non-polar, at codon 133 of the TCAP protein (p.Val133Met). This variant is not present in population databases (gnomAD no frequency). This variant has not been reported in the literature in individuals affected with TCAP-related conditions. ClinVar contains an entry for this variant (Variation ID: 2925613). An algorithm developed to predict the effect of missense changes on protein structure and function outputs the following: PolyPhen-2: "Benign". The methionine amino acid residue is found in multiple mammalian species, which suggests that this missense change does not adversely affect protein function. In summary, the available evidence is currently insufficient to determine the role of this variant in disease. Therefore, it has been classified as a Variant of Uncertain Significance.